The following is an entry in ClinVar:

ClinVar aggregate classification (germline): Uncertain significance. Review status: criteria provided, multiple submitters, no conflicts (2 of 4 stars). 2 submissions from 2 submitters: Uncertain significance (2). Last evaluated 2025-08-19.

Conditions:
Inborn genetic diseases. Identifiers: MedGen C0950123, MeSH D030342.
Fanconi anemia (FA). Also called: Fanconi's anemia. Identifiers: Orphanet 84, MedGen C0015625, MeSH D005199, MONDO:0019391.

Submissions (2):

Ambry Genetics
Classification: Uncertain significance for Inborn genetic diseases. Last evaluated: 2025-08-19. Review status: criteria provided, single submitter. Criteria: Ambry Variant Classification Scheme 2023. Collection method: clinical testing. Allele origin: germline.
Comment: The p.D214E variant (also known as c.642T>A), located in coding exon 2 of the FANCM gene, results from a T to A substitution at nucleotide position 642. The aspartic acid at codon 214 is replaced by glutamic acid, an amino acid with highly similar properties. This amino acid position is conserved. In addition, the in silico prediction for this alteration is inconclusive. Based on the available evidence, the clinical significance of this variant remains unclear.

Labcorp Genetics (formerly Invitae), Labcorp
Classification: Uncertain significance for Fanconi anemia. Last evaluated: 2022-10-08. Review status: criteria provided, single submitter. Criteria: Invitae Variant Classification Sherloc (09022015). Collection method: clinical testing. Allele origin: germline.
Comment: Algorithms developed to predict the effect of missense changes on protein structure and function are either unavailable or do not agree on the potential impact of this missense change (SIFT: "Deleterious"; PolyPhen-2: "Probably Damaging"; Align-GVGD: "Class C0"). ClinVar contains an entry for this variant (Variation ID: 1001985). This variant has not been reported in the literature in individuals affected with FANCM-related conditions. This variant is not present in population databases (gnomAD no frequency). This sequence change replaces aspartic acid, which is acidic and polar, with glutamic acid, which is acidic and polar, at codon 214 of the FANCM protein (p.Asp214Glu). In summary, the available evidence is currently insufficient to determine the role of this variant in disease. Therefore, it has been classified as a Variant of Uncertain Significance.

NM_020937.4(FANCM):c.642T>A (p.Asp214Glu)

Gene: FANCM (FA complementation group M; plus strand). Cytogenetic location: 14q21.2.
Variant type: single nucleotide variant.
Coding change: c.642T>A on transcript NM_020937.4 (MANE Select); coding-DNA position 642, T replaced by A.
Protein change: p.Asp214Glu; replaces aspartic acid 214 with glutamic acid.
Molecular consequence: missense variant.
Genome position (GRCh38, 1-based): chr14:45,137,202, T>A. VCF-style: chr14-45137202-T-A. GRCh37 (hg19) VCF-style: chr14-45606405-T-A.
Other names: c.642T>A (NM_020937.2); c.642T>A, p.Asp214Glu (NM_001308133.2, NM_001308134.2); short protein forms D214E.
Identifiers: ClinVar variation 1001985 (VCV001001985.9), dbSNP rs1885582744, ClinGen allele CA389588894.